The following is an entry in ClinVar:

ClinVar aggregate classification (germline): Uncertain significance (1 of 4 stars; one submission).

Allele frequency attached by ClinVar (database versions not stated): gnomAD exomes below 0.00001; ExAC 0.00001.
gnomAD v4.1: 5 of 1,612,680 alleles (0.00031%); highest among the groups gnomAD compares: South Asian, 0.0011%; no homozygotes.

Submission:

Labcorp Genetics (formerly Invitae), Labcorp
Classification: Uncertain significance. Last evaluated: 2021-10-27. Review status: criteria provided, single submitter. Criteria: Invitae Variant Classification Sherloc (09022015). Collection method: clinical testing. Allele origin: germline.
Comment: Algorithms developed to predict the effect of missense changes on protein structure and function are either unavailable or do not agree on the potential impact of this missense change (SIFT: "Deleterious"; PolyPhen-2: "Probably Damaging"; Align-GVGD: "Class C15"). This variant has not been reported in the literature in individuals affected with RUSC2-related conditions. This variant is present in population databases (rs772001899, gnomAD 0.0009%). This sequence change replaces glutamic acid, a(n) acidic and polar amino acid, with lysine, a(n) basic and polar amino acid, at codon 1129 of the RUSC2 protein (p.Glu1129Lys). In summary, the available evidence is currently insufficient to determine the role of this variant in disease. Therefore, it has been classified as a Variant of Uncertain Significance.

NM_014806.5(RUSC2):c.3385G>A (p.Glu1129Lys)

Gene: RUSC2 (RUN and SH3 domain containing 2; plus strand). Cytogenetic location: 9p13.3.
Variant type: single nucleotide variant.
Coding change: c.3385G>A on transcript NM_014806.5 (MANE Select); coding-DNA position 3385, G replaced by A.
Protein change: p.Glu1129Lys; replaces glutamic acid 1129 with lysine.
Molecular consequence: missense variant. On other transcripts: non-coding transcript variant (1).
Genome position (GRCh38, 1-based): chr9:35,559,269, G>A. VCF-style: chr9-35559269-G-A. GRCh37 (hg19) VCF-style: chr9-35559266-G-A.
Other names: c.3385G>A, p.Glu1129Lys (NM_001135999.2); c.751G>A, p.Glu251Lys (NM_001330740.2); short protein forms E251K, E1129K.
Identifiers: ClinVar variation 1463247 (VCV001463247.6), dbSNP rs772001899, ClinGen allele CA5044141.